The following is an entry in ClinVar:

NM_001365951.3(KIF1B):c.3151A>T (p.Met1051Leu)

Gene: KIF1B (kinesin family member 1B; plus strand). Cytogenetic location: 1p36.22.
Variant type: single nucleotide variant.
Coding change: c.3151A>T on transcript NM_001365951.3 (MANE Select); coding-DNA position 3151, A replaced by T.
Protein change: p.Met1051Leu; replaces methionine 1051 with leucine.
Molecular consequence: missense variant.
Genome position (GRCh38, 1-based): chr1:10,337,095, A>T. VCF-style: chr1-10337095-A-T. GRCh37 (hg19) VCF-style: chr1-10397153-A-T.
Other names: c.3151A>T, p.Met1051Leu (NM_001365952.1); c.3013A>T, p.Met1005Leu (NM_015074.3); short protein forms M1051L, M1005L.
Identifiers: ClinVar variation 5023171 (VCV005023171.1).

ClinVar aggregate classification (germline): Uncertain significance (1 of 4 stars; one submission).

Submission:

Ambry Genetics
Classification: Uncertain significance. Last evaluated: 2026-06-20. Review status: criteria provided, single submitter. Criteria: Ambry Variant Classification Scheme 2023. Collection method: clinical testing. Allele origin: germline.
Comment: The p.M1005L variant (also known as c.3013A>T), located in coding exon 27 of the KIF1B gene, results from an A to T substitution at nucleotide position 3013. The methionine at codon 1005 is replaced by leucine, an amino acid with highly similar properties. This amino acid position is conserved. In addition, this alteration is predicted to be tolerated by in silico analysis. Based on the available evidence, the clinical significance of this variant remains unclear.